The following is an entry in ClinVar:

ClinVar aggregate classification (germline): Likely benign. Review status: criteria provided, multiple submitters, no conflicts (2 of 4 stars). 2 submissions from 2 submitters: Likely benign (2). Last evaluated 2018-06-19.

Allele frequency attached by ClinVar (database versions not stated): 1000 Genomes Project 30x 0.01296; 1000 Genomes Project 0.01298; gnomAD exomes 0.01807; TOPMed 0.01929; gnomAD 0.02141 and 0.02248.
gnomAD v4.1: 10,742 of 564,464 alleles (1.9%); highest among the groups gnomAD compares: African/African-American, 2.2%; 149 homozygotes.

Submissions (2):

GeneDx
Classification: Likely benign. Last evaluated: 2018-06-19. Review status: criteria provided, single submitter. Criteria: GeneDx Variant Classification (06012015). Collection method: clinical testing. Allele origin: germline. Affected: yes.
Comment: This variant is considered likely benign or benign based on one or more of the following criteria: it is a conservative change, it occurs at a poorly conserved position in the protein, it is predicted to be benign by multiple in silico algorithms, and/or has population frequency not consistent with disease.

Breakthrough Genomics
Classification: Likely benign. Review status: criteria provided, single submitter. Criteria: ACMG Guidelines, 2015. Collection method: not provided. Allele origin: germline. Inheritance: Autosomal recessive inheritance. Affected: yes.

NM_002230.4(JUP):c.-8-261G>A

Gene: JUP (junction plakoglobin; minus strand). Cytogenetic location: 17q21.2.
Variant type: single nucleotide variant.
Coding change: c.-8-261G>A on transcript NM_002230.4 (MANE Select); 261 bases into the intron before 8 bases upstream of the start codon, G replaced by A.
Molecular consequence: intron variant.
Genome position (GRCh38, 1-based): chr17:41,772,123, C>T on the plus strand (G>A on the coding strand, the complement: JUP is on the minus strand). VCF-style: chr17-41772123-C-T. GRCh37 (hg19) VCF-style: chr17-39928375-C-T.
Other names: c.-5-264G>A (NM_001352774.2, NM_001352775.2); c.-8-261G>A (NM_021991.4, NM_001352776.2, NM_001352773.2 and 1 more transcripts).
Identifiers: ClinVar variation 674288 (VCV000674288.2), dbSNP rs74957385, ClinGen allele CA290701464.